The following is an entry in ClinVar:

NC_000001.10:g.(?_24122439)_(24134833_?)del

Genes: HMGCL (3-hydroxy-3-methylglutaryl-CoA lyase; minus strand), GALE (UDP-galactose-4-epimerase; minus strand). Cytogenetic location: 1p36.11.
Variant type: Deletion.
Identifiers: ClinVar variation 3247678 (VCV003247678.1).

ClinVar aggregate classification (germline): Pathogenic (1 of 4 stars; one submission).

Conditions:
Deficiency of hydroxymethylglutaryl-CoA lyase (HMGCLD). Also called: HMG-CoA LYASE DEFICIENCY; Defect in leucine metabolism; 3-hydroxy-3-methylglutaric aciduria; HMGCL DEFICIENCY; HYDROXYMETHYLGLUTARIC ACIDURIA. Identifiers: Orphanet 20, MedGen C1533587, MONDO:0009520, OMIM 246450.

Submission:

Labcorp Genetics (formerly Invitae), Labcorp
Classification: Pathogenic for Deficiency of hydroxymethylglutaryl-CoA lyase. Last evaluated: 2023-01-14. Review status: criteria provided, single submitter. Criteria: Invitae Variant Classification Sherloc (09022015). Collection method: clinical testing. Allele origin: unknown.
Comment: For these reasons, this variant has been classified as Pathogenic. This variant disrupts a region of the HMGCL protein in which other variant(s) (p.His233Arg) have been determined to be pathogenic (PMID: 8798725, 9784232, 14518825, 16330550). This suggests that this is a clinically significant region of the protein, and that variants that disrupt it are likely to be disease-causing. This variant has not been reported in the literature in individuals affected with HMGCL-related conditions. This variant is a gross deletion of the genomic region encompassing exon(s) 7-9 of the HMGCL gene, which includes the termination codon. This deletion extends beyond the assayed region for this gene and therefore may encompass additional genes. While this deletion is not anticipated to lead to nonsense mediated decay, it is expected to alter mRNA translation or result in a truncated protein product.

Literature cited by the submitters: PubMed 8798725; PubMed 9784232; PubMed 14518825; PubMed 16330550.